The following is an entry in ClinVar:

NM_003047.5(SLC9A1):c.1821-3C>T

Gene: SLC9A1 (solute carrier family 9 member A1; minus strand). Cytogenetic location: 1p36.11.
Variant type: single nucleotide variant.
Coding change: c.1821-3C>T on transcript NM_003047.5 (MANE Select); 3 bases into the intron before coding-DNA position 1821, C replaced by T.
Molecular consequence: intron variant.
Genome position (GRCh38, 1-based): chr1:27,102,133, G>A on the plus strand (C>T on the coding strand, the complement: SLC9A1 is on the minus strand). VCF-style: chr1-27102133-G-A. GRCh37 (hg19) VCF-style: chr1-27428624-G-A.
Identifiers: ClinVar variation 4989111 (VCV004989111.1).
Genomic context (GRCh38, chr1:27,102,133, plus strand): 5'-GTCCTTGGACAGTGCTGGCAGGATGCGCTCGGAAGGCAGGGACTTGGGGTGGATGTTCCT[G>A]GGGCAATAGGGCATCGGTTAGGTCCCCAAGATTCTTGGGATCCTGGTGCCTCCCAGGTTT-3'

ClinVar aggregate classification (germline): Likely benign (1 of 4 stars; one submission).

Conditions:
SLC9A1-related disorder. Also called: SLC9A1-related condition.

gnomAD v4.1: 209 of 1,606,234 alleles (0.013%); highest among the groups gnomAD compares: Non-Finnish European, 0.017%; no homozygotes.

Submission:

PreventionGenetics, part of Exact Sciences
Classification: Likely benign for SLC9A1-related condition. Last evaluated: 2025-01-06. Review status: criteria provided, single submitter. Criteria: ACMG Guidelines, 2015. Collection method: clinical testing. Allele origin: germline.
Comment: This variant is classified as likely benign based on ACMG/AMP sequence variant interpretation guidelines (Richards et al. 2015 PMID: 25741868, with internal and published modifications).